The following is an entry in ClinVar:

NM_000193.4(SHH):c.625C>G (p.Gln209Glu)

Gene: SHH (sonic hedgehog signaling molecule; minus strand). Cytogenetic location: 7q36.3.
Variant type: single nucleotide variant.
Coding change: c.625C>G on transcript NM_000193.4 (MANE Select); coding-DNA position 625, C replaced by G.
Protein change: p.Gln209Glu; replaces glutamine 209 with glutamic acid.
Molecular consequence: missense variant. On other transcripts: intron variant (1).
Genome position (GRCh38, 1-based): chr7:155,803,664, G>C on the plus strand (C>G on the coding strand, the complement: SHH is on the minus strand). VCF-style: chr7-155803664-G-C. GRCh37 (hg19) VCF-style: chr7-155596358-G-C.
Other names: c.301+2632C>G (NM_001310462.2); short protein forms Q209E.
Identifiers: ClinVar variation 3769852 (VCV003769852.2).
Genomic context (GRCh38, chr7:155,803,664, plus strand): 5'-CGTCCGCCGCCAGCACGCGGTCCCCGGGGCTCAGGTCCTTCACCAGCTTGGTGCCGCCCT[G>C]CTCCAGGTGCACCGTGGCCGAGCCCGGGAAGCAGCCTCCCGATTTGGCCGCCACCGAGTT-3'
Protein context (NP_000184.1, residues 199-219): FPGSATVHLE[Gln209Glu]GGTKLVKDLS

ClinVar aggregate classification (germline): Uncertain significance (1 of 4 stars; one submission).

gnomAD v4.1: 1 of 1,597,690 alleles (0.000063%); highest among the groups gnomAD compares: East Asian, 0.0022%; no homozygotes.

Submission:

GeneDx
Classification: Uncertain significance. Last evaluated: 2025-11-25. Review status: criteria provided, single submitter. Criteria: GeneDx Variant Classification Process June 2021. Collection method: clinical testing. Allele origin: germline.
Comment: Reported in an individual with thyroid dysgenesis who harbors multiple other variants; all variants were inherited from a parent with a normally functioning thyroid gland (PMID: 34374102); Not observed at significant frequency in large population cohorts (gnomAD); In silico analysis suggests that this missense variant does not alter protein structure/function; This variant is associated with the following publications: (PMID: 34374102)